The following is an entry in ClinVar:

ClinVar aggregate classification (germline): Likely benign. Review status: criteria provided, multiple submitters, no conflicts (2 of 4 stars). 2 submissions from 2 submitters: Likely benign (2). Last evaluated 2026-01-25.

Conditions:
EYS-related disorder. Also called: EYS-related condition.

Allele frequency attached by ClinVar (database versions not stated): 1000 Genomes Project 30x 0.00016; gnomAD 0.00058 and 0.00066; TOPMed 0.00077.
gnomAD v4.1: 88 of 152,214 alleles (0.058%); highest among the groups gnomAD compares: African/African-American, 0.19%; no homozygotes.

Submissions (2):

Labcorp Genetics (formerly Invitae), Labcorp
Classification: Likely benign. Last evaluated: 2026-01-25. Review status: criteria provided, single submitter. Criteria: Invitae Variant Classification Sherloc (09022015). Collection method: clinical testing. Allele origin: germline.

PreventionGenetics, part of Exact Sciences
Classification: Likely benign for EYS-related condition. Last evaluated: 2025-04-22. Review status: criteria provided, single submitter. Criteria: ACMG Guidelines, 2015. Collection method: clinical testing. Allele origin: germline.
Comment: This variant is classified as likely benign based on ACMG/AMP sequence variant interpretation guidelines (Richards et al. 2015 PMID: 25741868, with internal and published modifications).

NM_001142800.2(EYS):c.-482C>T

Gene: EYS (EGF-like photoreceptor maintenance factor; minus strand). Cytogenetic location: 6q12.
Variant type: single nucleotide variant.
Coding change: c.-482C>T on transcript NM_001142800.2 (MANE Select); 482 bases upstream of the start codon, C replaced by T.
Molecular consequence: 5 prime UTR variant.
Genome position (GRCh38, 1-based): chr6:65,707,169, G>A on the plus strand (C>T on the coding strand, the complement: EYS is on the minus strand). VCF-style: chr6-65707169-G-A. GRCh37 (hg19) VCF-style: chr6-66417062-G-A.
Other names: c.-482C>T (NM_001142801.2, NM_001292009.2, NM_001142800.1).
Identifiers: ClinVar variation 1051334 (VCV001051334.10), dbSNP rs1032347546, ClinGen allele CA140459989.